The following is an entry in ClinVar:

NM_032776.3(JMJD1C):c.3989G>A (p.Ser1330Asn)

Gene: JMJD1C (jumonji domain containing 1C; minus strand). Cytogenetic location: 10q21.3.
Variant type: single nucleotide variant.
Coding change: c.3989G>A on transcript NM_032776.3 (MANE Select); coding-DNA position 3989, G replaced by A.
Protein change: p.Ser1330Asn; replaces serine 1330 with asparagine.
Molecular consequence: missense variant. On other transcripts: non-coding transcript variant (1).
Genome position (GRCh38, 1-based): chr10:63,207,680, C>T on the plus strand (G>A on the coding strand, the complement: JMJD1C is on the minus strand). VCF-style: chr10-63207680-C-T. GRCh37 (hg19) VCF-style: chr10-64967440-C-T.
Other names: c.3443G>A, p.Ser1148Asn (NM_001282948.2, NM_001318154.2); c.3125G>A, p.Ser1042Asn (NM_001318153.2); c.3875G>A, p.Ser1292Asn (NM_001322252.2); c.3332G>A, p.Ser1111Asn (NM_001322254.2, NM_001322258.2); short protein forms S1111N, S1330N, S1148N, S1292N, S1042N.
Identifiers: ClinVar variation 2771439 (VCV002771439.3), dbSNP rs2492681230, ClinGen allele CA377038996.

ClinVar aggregate classification (germline): Uncertain significance (1 of 4 stars; one submission).

Conditions:
Early Myoclonic Encephalopathy. Identifiers: MedGen C0270855.

Submission:

Labcorp Genetics (formerly Invitae), Labcorp
Classification: Uncertain significance for Early Myoclonic Encephalopathy. Last evaluated: 2023-06-05. Review status: criteria provided, single submitter. Criteria: Invitae Variant Classification Sherloc (09022015). Collection method: clinical testing. Allele origin: germline.
Comment: Advanced modeling of protein sequence and biophysical properties (such as structural, functional, and spatial information, amino acid conservation, physicochemical variation, residue mobility, and thermodynamic stability) performed at Invitae indicates that this missense variant is not expected to disrupt JMJD1C protein function. This variant has not been reported in the literature in individuals affected with JMJD1C-related conditions. This variant is not present in population databases (gnomAD no frequency). This sequence change replaces serine, which is neutral and polar, with asparagine, which is neutral and polar, at codon 1330 of the JMJD1C protein (p.Ser1330Asn). In summary, the available evidence is currently insufficient to determine the role of this variant in disease. Therefore, it has been classified as a Variant of Uncertain Significance.